The following is an entry in ClinVar:

NM_017654.4(SAMD9):c.4199C>G (p.Pro1400Arg)

Gene: SAMD9 (sterile alpha motif domain containing 9; minus strand). Cytogenetic location: 7q21.2.
Variant type: single nucleotide variant.
Coding change: c.4199C>G on transcript NM_017654.4 (MANE Select); coding-DNA position 4199, C replaced by G.
Protein change: p.Pro1400Arg; replaces proline 1400 with arginine.
Molecular consequence: missense variant.
Genome position (GRCh38, 1-based): chr7:93,101,899, G>C on the plus strand (C>G on the coding strand, the complement: SAMD9 is on the minus strand). VCF-style: chr7-93101899-G-C. GRCh37 (hg19) VCF-style: chr7-92731212-G-C.
Other names: c.4199C>G, p.Pro1400Arg (NM_001193307.2); short protein forms P1400R.
Identifiers: ClinVar variation 3391767 (VCV003391767.1).

ClinVar aggregate classification (germline): Uncertain significance (1 of 4 stars; one submission).

Submission:

GeneDx
Classification: Uncertain significance. Last evaluated: 2024-06-20. Review status: criteria provided, single submitter. Criteria: GeneDx Variant Classification Process June 2021. Collection method: clinical testing. Allele origin: germline. Affected: yes.
Comment: Not observed at significant frequency in large population cohorts (gnomAD); In silico analysis supports that this missense variant has a deleterious effect on protein structure/function; Has not been previously published as pathogenic or benign to our knowledge